The following is an entry in ClinVar:

NM_206933.4(USH2A):c.9578G>T (p.Cys3193Phe)

Gene: USH2A (usherin; minus strand). Cytogenetic location: 1q41.
Variant type: single nucleotide variant.
Coding change: c.9578G>T on transcript NM_206933.4 (MANE Select); coding-DNA position 9578, G replaced by T.
Protein change: p.Cys3193Phe; replaces cysteine 3193 with phenylalanine.
Molecular consequence: missense variant.
Genome position (GRCh38, 1-based): chr1:215,813,897, C>A on the plus strand (G>T on the coding strand, the complement: USH2A is on the minus strand). VCF-style: chr1-215813897-C-A. GRCh37 (hg19) VCF-style: chr1-215987239-C-A.
Other names: short protein forms C3193F.
Identifiers: ClinVar variation 2124637 (VCV002124637.4), dbSNP rs2464509951, ClinGen allele CA344822294.

ClinVar aggregate classification (germline): Uncertain significance (1 of 4 stars; one submission).

gnomAD v4.1: 1 of 1,613,648 alleles (0.000062%); highest among the groups gnomAD compares: Non-Finnish European, 0.000085%; no homozygotes.

Submission:

Labcorp Genetics (formerly Invitae), Labcorp
Classification: Uncertain significance. Last evaluated: 2023-08-11. Review status: criteria provided, single submitter. Criteria: Invitae Variant Classification Sherloc (09022015). Collection method: clinical testing. Allele origin: germline.
Comment: This sequence change replaces cysteine, which is neutral and slightly polar, with phenylalanine, which is neutral and non-polar, at codon 3193 of the USH2A protein (p.Cys3193Phe). This variant has not been reported in the literature in individuals affected with USH2A-related conditions. This variant is not present in population databases (gnomAD no frequency). In summary, the available evidence is currently insufficient to determine the role of this variant in disease. Therefore, it has been classified as a Variant of Uncertain Significance. Advanced modeling of protein sequence and biophysical properties (such as structural, functional, and spatial information, amino acid conservation, physicochemical variation, residue mobility, and thermodynamic stability) performed at Invitae indicates that this missense variant is expected to disrupt USH2A protein function. ClinVar contains an entry for this variant (Variation ID: 2124637).